The following is an entry in ClinVar:

ClinVar aggregate classification (germline): Uncertain significance (1 of 4 stars; one submission).

Submission:

Labcorp Genetics (formerly Invitae), Labcorp
Classification: Uncertain significance. Last evaluated: 2025-02-06. Review status: criteria provided, single submitter. Criteria: Invitae Variant Classification Sherloc (09022015). Collection method: clinical testing. Allele origin: germline.
Comment: This sequence change replaces glutamic acid, which is acidic and polar, with lysine, which is basic and polar, at codon 1118 of the MYH9 protein (p.Glu1118Lys). This variant is not present in population databases (gnomAD no frequency). This variant has not been reported in the literature in individuals affected with MYH9-related conditions. Invitae Evidence Modeling of protein sequence and biophysical properties (such as structural, functional, and spatial information, amino acid conservation, physicochemical variation, residue mobility, and thermodynamic stability) indicates that this missense variant is not expected to disrupt MYH9 protein function with a negative predictive value of 95%. In summary, the available evidence is currently insufficient to determine the role of this variant in disease. Therefore, it has been classified as a Variant of Uncertain Significance.

NM_002473.6(MYH9):c.3352G>A (p.Glu1118Lys)

Gene: MYH9 (myosin heavy chain 9; minus strand). Cytogenetic location: 22q12.3.
Variant type: single nucleotide variant.
Coding change: c.3352G>A on transcript NM_002473.6 (MANE Select); coding-DNA position 3352, G replaced by A.
Protein change: p.Glu1118Lys; replaces glutamic acid 1118 with lysine.
Molecular consequence: missense variant.
Genome position (GRCh38, 1-based): chr22:36,295,638, C>T on the plus strand (G>A on the coding strand, the complement: MYH9 is on the minus strand). VCF-style: chr22-36295638-C-T. GRCh37 (hg19) VCF-style: chr22-36691684-C-T.
Other names: short protein forms E1118K.
Identifiers: ClinVar variation 4746167 (VCV004746167.1).